The following is an entry in ClinVar:

NM_015725.4(RDH8):c.22del (p.Val8fs)

Gene: RDH8 (retinol dehydrogenase 8; plus strand). Cytogenetic location: 19p13.2.
Variant type: Deletion.
Coding change: c.22del on transcript NM_015725.4 (MANE Select); coding-DNA position 22, one base deleted (G; older notation c.22delG).
Protein change: p.Val8fs; shifts the reading frame from valine 8.
Molecular consequence: frameshift variant.
Genome position (GRCh38, 1-based): chr19:10,013,519, G deleted. VCF-style (leftmost placement, unchanged base first): chr19-10013518-TG-T. GRCh37 (hg19) VCF-style: chr19-10124194-TG-T.
Other names: c.22delG (NM_015725.4); short protein forms V8fs.
Identifiers: ClinVar variation 4850647 (VCV004850647.1).

ClinVar aggregate classification (germline): Likely pathogenic (1 of 4 stars; one submission).

Conditions:
Stargardt disease 5. Identifiers: MedGen C6012746, MONDO:0980722, OMIM 621259.

Submission:

First Genomix Gene Laboratory, Genetic Diagnostics Department
Classification: Likely pathogenic for Stargardt disease 5. Last evaluated: 2025-08-04. Review status: criteria provided, single submitter. Criteria: ACMG Guidelines, 2015. Collection method: clinical testing. Allele origin: germline. Inheritance: Autosomal recessive inheritance. Affected: no. Observed: 1 variant allele.